The following is an entry in ClinVar:

NM_006493.4(CLN5):c.-21G>A

Gene: CLN5 (CLN5 lysosomal BMP synthase; plus strand). Cytogenetic location: 13q22.3.
Variant type: single nucleotide variant.
Coding change: c.-21G>A on transcript NM_006493.4 (MANE Select); 21 bases upstream of the start codon, G replaced by A.
Genome position (GRCh38, 1-based): chr13:76,992,078, G>A. VCF-style: chr13-76992078-G-A. GRCh37 (hg19) VCF-style: chr13-77566213-G-A.
Other names: p.G43R:GGA>AGA; p.Gly43Arg.
Identifiers: ClinVar variation 205139 (VCV000205139.22), dbSNP rs529998879, ClinGen allele CA313903.

ClinVar aggregate classification (germline): Conflicting classifications of pathogenicity. Review status: criteria provided, conflicting classifications (1 of 4 stars). 7 submissions from 7 submitters: Uncertain significance (5); Likely benign (1). 1 of the submissions does not count toward it. Last evaluated 2025-11-20.

Conditions:
Inborn genetic diseases. Identifiers: MedGen C0950123, MeSH D030342.
Neuronal ceroid lipofuscinosis 5 (CLN5). Also called: CEROID LIPOFUSCINOSIS, NEURONAL, 5, VARIABLE AGE AT ONSET; CLN5-Related Neuronal Ceroid-Lipofuscinosis; Neuronal ceroid lipofuscinosis Finnish variant; NEURONAL CEROID LIPOFUSCINOSIS, LATE INFANTILE, FINNISH VARIANT. Identifiers: Orphanet 168491, Orphanet 228360, MedGen C1850442, MONDO:0009745, OMIM 256731.
Neuronal ceroid lipofuscinosis. Also called: Neuronal Ceroid Lipofuscinoses. Identifiers: Orphanet 216, Orphanet 79263, MedGen C0027877, MONDO:0016295. Disease mechanism: loss of function.

Allele frequency attached by ClinVar (database versions not stated): gnomAD exomes 0.00003 and 0.00006; ExAC 0.00004; gnomAD 0.00005; TOPMed 0.00007; 1000 Genomes Project 30x 0.00016; 1000 Genomes Project 0.00020.

Submissions (7):

GeneDx
Classification: Uncertain significance. Last evaluated: 2025-11-20. Review status: criteria provided, single submitter. Criteria: GeneDx Variant Classification Process June 2021. Collection method: clinical testing. Allele origin: germline. Affected: yes.
Comment: Not observed at significant frequency in large population cohorts (gnomAD); In silico analysis suggests that this missense variant does not alter protein structure/function; This variant is associated with the following publications: (PMID: 27861786)

Ambry Genetics
Classification: Likely benign for Inborn genetic diseases. Last evaluated: 2025-09-16. Review status: criteria provided, single submitter. Criteria: Ambry Variant Classification Scheme 2023. Collection method: clinical testing. Allele origin: germline.

Labcorp Genetics (formerly Invitae), Labcorp
Classification: Uncertain significance for Neuronal ceroid lipofuscinosis. Last evaluated: 2022-09-12. Review status: criteria provided, single submitter. Criteria: Invitae Variant Classification Sherloc (09022015). Collection method: clinical testing. Allele origin: germline.
Comment: This sequence change replaces glycine, which is neutral and non-polar, with arginine, which is basic and polar, at codon 43 of the CLN5 protein (p.Gly43Arg). This variant is present in population databases (rs529998879, gnomAD 0.007%). This variant has not been reported in the literature in individuals affected with CLN5-related conditions. ClinVar contains an entry for this variant (Variation ID: 205139). Algorithms developed to predict the effect of missense changes on protein structure and function are either unavailable or do not agree on the potential impact of this missense change (SIFT: "Deleterious"; PolyPhen-2: "Probably Damaging"; Align-GVGD: "Class C0"). In summary, the available evidence is currently insufficient to determine the role of this variant in disease. Therefore, it has been classified as a Variant of Uncertain Significance.

Mayo Clinic Laboratories, Mayo Clinic
Classification: Uncertain significance. Last evaluated: 2021-12-28. Review status: criteria provided, single submitter. Criteria: ACMG Guidelines, 2015. Collection method: clinical testing. Allele origin: germline.

Genome-Nilou Lab
Classification: Uncertain significance for Neuronal ceroid lipofuscinosis 5. Last evaluated: 2021-09-05. Review status: criteria provided, single submitter. Criteria: ACMG Guidelines, 2015. Collection method: clinical testing. Allele origin: germline. Affected: no.

Illumina Laboratory Services, Illumina
Classification: Uncertain significance for Neuronal ceroid lipofuscinosis 5. Last evaluated: 2017-04-27. Review status: criteria provided, single submitter. Criteria: ICSL Variant Classification Criteria 13 December 2019. Collection method: clinical testing. Allele origin: germline.

Natera, Inc.
Classification: Uncertain significance for Neuronal ceroid lipofuscinosis 5. Last evaluated: 2020-09-16. Review status: no assertion criteria provided. Collection method: clinical testing. Allele origin: germline. Not counted in ClinVar's aggregate classification.